The following is an entry in ClinVar:

ClinVar aggregate classification (germline): Likely benign (1 of 4 stars; one submission).

gnomAD v4.1: 4 of 1,614,096 alleles (0.00025%); highest among the groups gnomAD compares: Non-Finnish European, 0.00025%; no homozygotes.

Submission:

CeGaT Center for Human Genetics Tuebingen
Classification: Likely benign. Last evaluated: 2025-02-01. Review status: criteria provided, single submitter. Criteria: CeGaT Center For Human Genetics Tuebingen Variant Classification Criteria Version 2. Collection method: clinical testing. Allele origin: germline. Affected: yes. Observed: 1 variant allele.
Comment: UQCRC2: BP4, BP7

NM_003366.4(UQCRC2):c.912C>T (p.Asn304=)

Genes: PDZD9 (PDZ domain containing 9), UQCRC2 (ubiquinol-cytochrome c reductase core protein 2). Cytogenetic location: 16p12.2.
Variant type: single nucleotide variant.
Coding change: c.912C>T on transcript NM_003366.4 (MANE Select); coding-DNA position 912, C replaced by T.
Protein change: p.Asn304=; no amino-acid change (asparagine 304 retained).
Molecular consequence: synonymous variant.
Genome position (GRCh38, 1-based): chr16:21,972,068, C>T. VCF-style: chr16-21972068-C-T. GRCh37 (hg19) VCF-style: chr16-21983389-C-T.
Identifiers: ClinVar variation 3772460 (VCV003772460.13).